The following is an entry in ClinVar:

ClinVar aggregate classification (germline): Conflicting classifications of pathogenicity. Review status: criteria provided, conflicting classifications (1 of 4 stars). 6 submissions from 6 submitters: Uncertain significance (3); Likely benign (2). 1 of the submissions does not count toward it. Last evaluated 2025-05-04.

Conditions:
Hereditary cancer-predisposing syndrome. Also called: Hereditary Cancer Syndrome; Hereditary neoplastic syndrome; Neoplastic Syndromes, Hereditary; Tumor predisposition. Identifiers: Orphanet 140162, MedGen C0027672, MeSH D009386, MONDO:0015356.
Hereditary breast ovarian cancer syndrome. Also called: BRCA1- and BRCA2-Associated Hereditary Breast and Ovarian Cancer; Hereditary breast and ovarian cancer syndrome; Breast and ovarian cancer; Hereditary breast and ovarian cancer syndrome (HBOC); Hereditary breast and ovarian cancer; Hereditary breast and/or ovarian cancer syndrome. Identifiers: Orphanet 145, MedGen C0677776, MeSH D061325, MONDO:0003582. Disease mechanism: loss of function.
Breast-ovarian cancer, familial, susceptibility to, 2 (BROVCA2). Also called: BRCA2 Hereditary Breast and Ovarian Cancer. Identifiers: Orphanet 145, MedGen C2675520, MONDO:0012933, OMIM 612555. Disease mechanism: loss of function.

Allele frequency attached by ClinVar (database versions not stated): gnomAD exomes below 0.00001.
gnomAD v4.1: 5 of 1,606,606 alleles (0.00031%); highest among the groups gnomAD compares: Middle Eastern, 0.017%; no homozygotes.

Submissions (6):

Labcorp Genetics (formerly Invitae), Labcorp
Classification: Uncertain significance for Hereditary breast ovarian cancer syndrome. Last evaluated: 2025-05-04. Review status: criteria provided, single submitter. Criteria: Invitae Variant Classification Sherloc (09022015). Collection method: clinical testing. Allele origin: germline.
Comment: This sequence change replaces methionine, which is neutral and non-polar, with isoleucine, which is neutral and non-polar, at codon 3217 of the BRCA2 protein (p.Met3217Ile). This variant is not present in population databases (gnomAD no frequency). This variant has not been reported in the literature in individuals affected with BRCA2-related conditions. ClinVar contains an entry for this variant (Variation ID: 96887). An algorithm developed to predict the effect of missense changes on protein structure and function outputs the following: PolyPhen-2: "Benign". The isoleucine amino acid residue is found in multiple mammalian species, which suggests that this missense change does not adversely affect protein function. In summary, the available evidence is currently insufficient to determine the role of this variant in disease. Therefore, it has been classified as a Variant of Uncertain Significance.

Blueprint Genetics
Classification: Likely benign. Last evaluated: 2024-09-10. Review status: criteria provided, single submitter. Criteria: ACMG Guidelines, 2015. Collection method: clinical testing. Allele origin: germline.

Color Diagnostics, LLC DBA Color Health
Classification: Uncertain significance for Hereditary cancer-predisposing syndrome. Last evaluated: 2023-04-24. Review status: criteria provided, single submitter. Criteria: ACMG Guidelines, 2015. Collection method: clinical testing. Allele origin: germline.
Comment: This missense variant replaces methionine with isoleucine at codon 3217 of the BRCA2 protein. Computational prediction suggests that this variant may not impact protein structure and function (internally defined REVEL score threshold <= 0.5, PMID: 27666373). To our knowledge, functional studies have not been reported for this variant. This variant has not been reported in individuals affected with BRCA2-related disorders in the literature. This variant has not been identified in the general population by the Genome Aggregation Database (gnomAD). The available evidence is insufficient to determine the role of this variant in disease conclusively. Therefore, this variant is classified as a Variant of Uncertain Significance.

Women's Health and Genetics/Laboratory Corporation of America, LabCorp
Classification: Uncertain significance. Last evaluated: 2022-08-22. Review status: criteria provided, single submitter. Criteria: LabCorp Variant Classification Summary - May 2015. Collection method: clinical testing. Allele origin: germline.
Comment: Variant summary: BRCA2 c.9651G>A (p.Met3217Ile) results in a conservative amino acid change in the encoded protein sequence. Five of five in-silico tools predict a benign effect of the variant on protein function. 4/4 computational tools predict no significant impact on normal splicing. However, these predictions have yet to be confirmed by functional studies. The variant was absent in 246540 control chromosomes (gnomAD). The available data on variant occurrences in the general population are insufficient to allow any conclusion about variant significance. To our knowledge, no occurrence of c.9651G>A in individuals affected with Prostate Cancer and no experimental evidence demonstrating its impact on protein function have been reported. Three ClinVar submitters have assessed the variant since 2014: two classified the variant as uncertain significance, and one as likely benign. Based on the evidence outlined above, the variant was classified as uncertain significance.

Ambry Genetics
Classification: Likely benign for Hereditary cancer-predisposing syndrome. Last evaluated: 2019-05-17. Review status: criteria provided, single submitter. Criteria: Ambry Variant Classification Scheme 2023. Collection method: clinical testing. Allele origin: germline.

Sharing Clinical Reports Project (SCRP)
Classification: Uncertain significance for Breast-ovarian cancer, familial 2. Last evaluated: 2012-05-01. Review status: no assertion criteria provided. Collection method: clinical testing. Allele origin: germline. Not counted in ClinVar's aggregate classification.

NM_000059.4(BRCA2):c.9651G>A (p.Met3217Ile)

Gene: BRCA2 (BRCA2 DNA repair associated; plus strand). Cytogenetic location: 13q13.1.
Variant type: single nucleotide variant.
Coding change: c.9651G>A on transcript NM_000059.4 (MANE Select); coding-DNA position 9651, G replaced by A.
Protein change: p.Met3217Ile; replaces methionine 3217 with isoleucine.
Molecular consequence: missense variant.
Genome position (GRCh38, 1-based): chr13:32,398,164, G>A. VCF-style: chr13-32398164-G-A. GRCh37 (hg19) VCF-style: chr13-32972301-G-A.
Other names: 9879G>A; short protein forms M3217I.
Identifiers: ClinVar variation 96887 (VCV000096887.22), dbSNP rs431825379, ClinGen allele CA026259.